The following is an entry in ClinVar:

ClinVar aggregate classification (germline): Pathogenic. Review status: reviewed by expert panel (3 of 4 stars). 2 submissions from 2 submitters: Pathogenic (1). 1 of the submissions does not count toward it. Last evaluated 2016-09-08.

Conditions:
Breast-ovarian cancer, familial, susceptibility to, 2 (BROVCA2). Also called: BRCA2 Hereditary Breast and Ovarian Cancer. Identifiers: Orphanet 145, MedGen C2675520, MONDO:0012933, OMIM 612555. Disease mechanism: loss of function.

Submissions (2):

Evidence-based Network for the Interpretation of Germline Mutant Alleles (ENIGMA)
Classification: Pathogenic for Breast-ovarian cancer, familial, susceptibility to, 2. Last evaluated: 2016-09-08. Review status: reviewed by expert panel. Criteria: ENIGMA BRCA1/2 Classification Criteria (2015). Collection method: curation. Allele origin: germline.
Comment: Variant allele predicted to encode a truncated non-functional protein.

Consortium of Investigators of Modifiers of BRCA1/2 (CIMBA), c/o University of Cambridge
Classification: Pathogenic for Breast-ovarian cancer, familial, susceptibility to, 2. Last evaluated: 2015-10-02. Review status: criteria provided, single submitter. Criteria: CIMBA Mutation Classification guidelines May 2016. Collection method: clinical testing. Allele origin: germline. Not counted in ClinVar's aggregate classification.

NM_000059.4(BRCA2):c.7092del (p.Glu2364fs)

Gene: BRCA2 (BRCA2 DNA repair associated; plus strand). Cytogenetic location: 13q13.1.
Variant type: Deletion.
Coding change: c.7092del on transcript NM_000059.4 (MANE Select); coding-DNA position 7092, one base deleted (A; older notation c.7092delA).
Protein change: p.Glu2364fs; shifts the reading frame from glutamic acid 2364.
Molecular consequence: frameshift variant.
Genome position (GRCh38, 1-based): chr13:32,354,945, A deleted; the last of 2 consecutive A bases (chr13:32,354,944-32,354,945); deleting either gives the same sequence. VCF-style (leftmost placement, unchanged base first): chr13-32354943-GA-G. GRCh37 (hg19) VCF-style: chr13-32929080-GA-G.
Other names: c.7092delA (NM_000059.3).
Identifiers: ClinVar variation 52267 (VCV000052267.7), dbSNP rs397507896, ClinGen allele CA024861.